The following is an entry in ClinVar:

ClinVar aggregate classification (germline): Pathogenic (1 of 4 stars; one submission).

Conditions:
Duchenne muscular dystrophy (DMD). Also called: MUSCULAR DYSTROPHY, PSEUDOHYPERTROPHIC PROGRESSIVE, DUCHENNE TYPE; Duchenne Muscular Dystrophy (DMD). Identifiers: Orphanet 98896, MedGen C0013264, MONDO:0010679, OMIM 310200.

Submission:

Athena Diagnostics
Classification: Pathogenic for Duchenne muscular dystrophy. Last evaluated: 2012-06-30. Review status: criteria provided, single submitter. Criteria: Athena Diagnostics Criteria. Collection method: clinical testing. Allele origin: germline. Inheritance: X-linked recessive inheritance.
Comment: X-linked recessive inheritance

Literature cited by the submitters: PubMed 15351422.

NM_004006.3(DMD):c.1388G>A (p.Trp463Ter)

Gene: DMD (dystrophin; minus strand). Cytogenetic location: Xp21.1.
Variant type: single nucleotide variant.
Coding change: c.1388G>A on transcript NM_004006.3 (MANE Select); coding-DNA position 1388, G replaced by A.
Protein change: p.Trp463Ter; replaces tryptophan 463 with a stop codon.
Molecular consequence: nonsense.
Genome position (GRCh38, 1-based): chrX:32,614,397, C>T on the plus strand (G>A on the coding strand, the complement: DMD is on the minus strand). VCF-style: chrX-32614397-C-T. GRCh37 (hg19) VCF-style: chrX-32632514-C-T.
Other names: c.1364G>A, p.Trp455Ter (NM_000109.4); c.1376G>A, p.Trp459Ter (NM_004009.3); c.1019G>A, p.Trp340Ter (NM_004010.3); short protein forms W463*, W455*, W459*, W340*.
Identifiers: ClinVar variation 217178 (VCV000217178.2), dbSNP rs863224981, ClinGen allele CA347470.
Genomic context (GRCh38, chrX:32,614,397, plus strand): 5'-AGATCAGGTCCAAGAGGCTCTTCCTCCATTTTCCTTGTTCTTTCTTCTGTTTTTGTTAGC[C>T]AGTCATTCAACTCTTTCAGTTTCTGATTCTGGAGATCCATTAAAACTCTATGTAAACTGA-3'